The following is an entry in ClinVar:

NM_006017.3(PROM1):c.2409del (p.Leu805fs)

Gene: PROM1 (prominin 1; minus strand). Cytogenetic location: 4p15.32.
Variant type: Deletion.
Coding change: c.2409del on transcript NM_006017.3 (MANE Select); coding-DNA position 2409, one base deleted (A; older notation c.2409delA).
Protein change: p.Leu805fs; shifts the reading frame from leucine 805.
Molecular consequence: frameshift variant.
Genome position (GRCh38, 1-based): chr4:15,980,502, T deleted on the plus strand (A on the coding strand, the reverse complement: PROM1 is on the minus strand). VCF-style (leftmost placement, unchanged base first): chr4-15980501-AT-A. GRCh37 (hg19) VCF-style: chr4-15982124-AT-A.
Other names: c.2382del, p.Leu796fs (NM_001145847.2, NM_001145848.2, NM_001145851.2 and 4 more transcripts); c.2409del, p.Leu805fs (NM_001145849.2, NM_001145850.2); short protein forms L796fs, L805fs.
Identifiers: ClinVar variation 2132044 (VCV002132044.4), dbSNP rs2474893506, ClinGen allele CA2580070881.

ClinVar aggregate classification (germline): Pathogenic (1 of 4 stars; one submission).

Submission:

Labcorp Genetics (formerly Invitae), Labcorp
Classification: Pathogenic. Last evaluated: 2022-04-30. Review status: criteria provided, single submitter. Criteria: Invitae Variant Classification Sherloc (09022015). Collection method: clinical testing. Allele origin: germline.
Comment: For these reasons, this variant has been classified as Pathogenic. This variant has not been reported in the literature in individuals affected with PROM1-related conditions. This variant is not present in population databases (gnomAD no frequency). This sequence change creates a premature translational stop signal (p.Leu805Tyrfs*5) in the PROM1 gene. It is expected to result in an absent or disrupted protein product. Loss-of-function variants in PROM1 are known to be pathogenic (PMID: 17605048, 19718270, 24154662, 25474345).

Literature cited by the submitters: PubMed 17605048; PubMed 19718270; PubMed 24154662; PubMed 25474345.